The following is an entry in ClinVar:

ClinVar aggregate classification (germline): Pathogenic (1 of 4 stars; one submission).

Submission:

Quest Diagnostics Nichols Institute San Juan Capistrano
Classification: Pathogenic. Last evaluated: 2022-06-16. Review status: criteria provided, single submitter. Criteria: ACMG/ClinGen CNV Guidelines, 2019. Collection method: clinical testing. Allele origin: unknown.
Comment: The copy number loss of 18p11.32p11.31 involves multiple protein-coding genes including SMCHD1 (OMIM 614982), LPIN2 (OMIM 605519), and TGIF1 (OMIM 602630), and is expected to cause phenotypic and/or behavioral abnormalities. Heterozygous pathogenic variation of SMCHD1 can cause autosomal dominant Bosma arhinia microphthalmia syndrome (OMIM 603457), which involves severe hypoplasia of the nose and eyes, palatal abnormalities, deficient taste and smell, inguinal hernias, hypogonadotropic hypogonadism with cryptorchidism, and normal intelligence. Additionally, the SMCHD1 gene is associated with facioscapulohumeral muscular dystrophy 2 (OMIM 158901), which involves digenic inheritance. Heterozygous pathogenic variation of LPIN2 and TGIF1 can cause autosomal dominant Majeed syndrome (OMIM 609628) and holoprosencephaly 4 (OMIM 142946), respectively. Further, haploinsufficiency for TGIF1 (602630) through either loss of function mutation or deletion can result in variable expressivity and reduced penetrance for autosomal dominant holoprosencephaly-4 (HPE4). The phenotype of this can vary from classic holoprosencephaly and intellectual disability to a milder form which can simply include hypotelorism or the presence of a single, solitary median maxillary central incisor (Poelmans 2015). References: Poelmans et al. Am J Med Genet A. 2015 Oct;167A(10):2451-8. PMID: 26080100

GRCh37/hg19 18p11.32-11.31(chr18:2255007-4488934)x1

Genes: DLGAP1 (DLG associated protein 1; minus strand), DLGAP1-AS2 (DLGAP1 antisense RNA 2; plus strand), EMILIN2 (elastin microfibril interfacer 2; plus strand), LPIN2 (lipin 2; minus strand), METTL4 (methyltransferase 4, N6-adenosine; minus strand) and 6 more. Cytogenetic location: 18p11.32-11.31.
Variant type: copy number loss.
Change: copy number 1 (one copy instead of two) of chr18:2,255,007-4,488,934 (2.23 Mb, GRCh37 coordinates, 1-based), cytogenetic band 18p11.32-11.31.
Identifiers: ClinVar variation 1808701 (VCV001808701.1).